The following is an entry in ClinVar:

ClinVar aggregate classification (germline): Pathogenic (1 of 4 stars; one submission).

Conditions:
DICER1-related tumor predisposition. Also called: DICER1 syndrome; DICER1-related pleuropulmonary blastoma cancer predisposition syndrome. Identifiers: Orphanet 284343, MedGen C3839822, MONDO:0100216.

Submission:

Labcorp Genetics (formerly Invitae), Labcorp
Classification: Pathogenic for DICER1-related tumor predisposition. Last evaluated: 2021-01-22. Review status: criteria provided, single submitter. Criteria: Invitae Variant Classification Sherloc (09022015). Collection method: clinical testing. Allele origin: germline.
Comment: This variant is not present in population databases (ExAC no frequency). For these reasons, this variant has been classified as Pathogenic. This variant has not been reported in the literature in individuals with DICER1-related conditions. This sequence change creates a premature translational stop signal (p.Val254Glyfs*8) in the DICER1 gene. It is expected to result in an absent or disrupted protein product. Loss-of-function variants in DICER1 are known to be pathogenic (PMID: 19556464, 21266384).

Literature cited by the submitters: PubMed 19556464; PubMed 21266384.

NM_177438.3(DICER1):c.761_762del (p.Val254fs)

Gene: DICER1 (dicer 1, ribonuclease III; minus strand). Cytogenetic location: 14q32.13.
Variant type: Microsatellite.
Coding change: c.761_762del on transcript NM_177438.3 (MANE Select); coding-DNA positions 761 to 762, 2 bases deleted (TG; older notation c.761_762delTG).
Protein change: p.Val254fs; shifts the reading frame from valine 254.
Molecular consequence: frameshift variant.
Genome position (GRCh38, 1-based): chr14:95,126,721-95,126,722, CA deleted on the plus strand (TG on the coding strand, the reverse complement: DICER1 is on the minus strand); deleting any 2 consecutive bases within chr14:95,126,721-95,126,724 gives the same sequence; the c. name uses the placement nearest the transcript's 3' end. VCF-style (leftmost placement, unchanged base first): chr14-95126720-CCA-C. GRCh37 (hg19) VCF-style: chr14-95593057-CCA-C.
Other names: c.761_762del, p.Val254fs (NM_001195573.1, NM_001271282.3, NM_001291628.2 and 1 more transcripts); short protein forms V254fs.
Identifiers: ClinVar variation 1393241 (VCV001393241.7), dbSNP rs2140234094, ClinGen allele CA2580613750.